The following is an entry in ClinVar:

NM_198965.2(PTHLH):c.196G>A (p.Glu66Lys)

Gene: PTHLH (parathyroid hormone like hormone; minus strand). Cytogenetic location: 12p11.22.
Variant type: single nucleotide variant.
Coding change: c.196G>A on transcript NM_198965.2 (MANE Select); coding-DNA position 196, G replaced by A.
Protein change: p.Glu66Lys; replaces glutamic acid 66 with lysine.
Molecular consequence: missense variant.
Genome position (GRCh38, 1-based): chr12:27,963,676, C>T on the plus strand (G>A on the coding strand, the complement: PTHLH is on the minus strand). VCF-style: chr12-27963676-C-T. GRCh37 (hg19) VCF-style: chr12-28116609-C-T.
Other names: c.196G>A, p.Glu66Lys (NM_002820.3, NM_198964.2, NM_198966.2); short protein forms E66K.
Identifiers: ClinVar variation 4759677 (VCV004759677.1).

ClinVar aggregate classification (germline): Uncertain significance (1 of 4 stars; one submission).

gnomAD v4.1: 2 of 1,613,522 alleles (0.00012%); highest among the groups gnomAD compares: Non-Finnish European, 0.00017%; no homozygotes.

Submission:

Labcorp Genetics (formerly Invitae), Labcorp
Classification: Uncertain significance. Last evaluated: 2025-11-15. Review status: criteria provided, single submitter. Criteria: Invitae Variant Classification Sherloc (09022015). Collection method: clinical testing. Allele origin: germline.
Comment: This sequence change replaces glutamic acid, which is acidic and polar, with lysine, which is basic and polar, at codon 66 of the PTHLH protein (p.Glu66Lys). This variant is not present in population databases (gnomAD no frequency). This variant has not been reported in the literature in individuals affected with PTHLH-related conditions. An algorithm developed to predict the effect of missense changes on protein structure and function (PolyPhen-2) suggests that this variant is likely to be disruptive. In summary, the available evidence is currently insufficient to determine the role of this variant in disease. Therefore, it has been classified as a Variant of Uncertain Significance.